The following is an entry in ClinVar:

NM_005546.4(ITK):c.287G>C (p.Arg96Pro)

Gene: ITK (IL2 inducible T cell kinase; plus strand). Cytogenetic location: 5q33.3.
Variant type: single nucleotide variant.
Coding change: c.287G>C on transcript NM_005546.4 (MANE Select); coding-DNA position 287, G replaced by C.
Protein change: p.Arg96Pro; replaces arginine 96 with proline.
Molecular consequence: missense variant.
Genome position (GRCh38, 1-based): chr5:157,211,330, G>C. VCF-style: chr5-157211330-G-C. GRCh37 (hg19) VCF-style: chr5-156638341-G-C.
Other names: short protein forms R96P.
Identifiers: ClinVar variation 352460 (VCV000352460.15), dbSNP rs751865122, ClinGen allele CA3532694.
Genomic context (GRCh38, chr5:157,211,330, plus strand): 5'-TGTGTGTGTGTCTCCAGGTGGTGCATGACAACTACCTCCTATATGTGTTTGCTCCAGATC[G>C]TGAGAGCCGGCAGCGCTGGGTGCTGGCCCTTAAAGAAGGTAATTAAACTCCTTTGCCATT-3'
Protein context (NP_005537.3, residues 86-106): NYLLYVFAPD[Arg96Pro]ESRQRWVLAL

ClinVar aggregate classification (germline): Uncertain significance. Review status: criteria provided, multiple submitters, no conflicts (2 of 4 stars). 4 submissions from 4 submitters: Uncertain significance (4). Last evaluated 2022-06-20.

Conditions:
Lymphoproliferative syndrome 1 (LPFS1). Identifiers: Orphanet 238505, Orphanet 538963, MedGen C3552634, MONDO:0013081, OMIM 613011.
Autoinflammatory syndrome. Identifiers: Orphanet 93665, MedGen C3890737, MONDO:0019751.

Allele frequency attached by ClinVar (database versions not stated): gnomAD 0.00003.
gnomAD v4.1: 46 of 1,613,974 alleles (0.0029%); highest among the groups gnomAD compares: Non-Finnish European, 0.0037%; no homozygotes.

Submissions (4):

Labcorp Genetics (formerly Invitae), Labcorp
Classification: Uncertain significance for Lymphoproliferative syndrome 1. Last evaluated: 2022-06-20. Review status: criteria provided, single submitter. Criteria: Invitae Variant Classification Sherloc (09022015). Collection method: clinical testing. Allele origin: germline.
Comment: This sequence change replaces arginine, which is basic and polar, with proline, which is neutral and non-polar, at codon 96 of the ITK protein (p.Arg96Pro). This variant is present in population databases (rs751865122, gnomAD 0.008%). This variant has not been reported in the literature in individuals affected with ITK-related conditions. ClinVar contains an entry for this variant (Variation ID: 352460). Advanced modeling of protein sequence and biophysical properties (such as structural, functional, and spatial information, amino acid conservation, physicochemical variation, residue mobility, and thermodynamic stability) performed at Invitae indicates that this missense variant is not expected to disrupt ITK protein function. In summary, the available evidence is currently insufficient to determine the role of this variant in disease. Therefore, it has been classified as a Variant of Uncertain Significance.

Blueprint Genetics
Classification: Uncertain significance. Last evaluated: 2021-12-28. Review status: criteria provided, single submitter. Criteria: ACMG Guidelines, 2015. Collection method: clinical testing. Allele origin: germline.

Illumina Laboratory Services, Illumina
Classification: Uncertain significance for Lymphoproliferative syndrome 1. Last evaluated: 2018-01-12. Review status: criteria provided, single submitter. Criteria: ICSL Variant Classification Criteria 13 December 2019. Collection method: clinical testing. Allele origin: germline.

Genome Diagnostics Laboratory, The Hospital for Sick Children
Classification: Uncertain significance for Autoinflammatory syndrome. Last evaluated: 2018-01-01. Review status: criteria provided, single submitter. Criteria: ACMG Guidelines, 2015. Collection method: clinical testing. Allele origin: germline. Affected: yes.